The following is an entry in ClinVar:

ClinVar aggregate classification (germline): Likely pathogenic (1 of 4 stars; one submission).

Submission:

Labcorp Genetics (formerly Invitae), Labcorp
Classification: Likely pathogenic. Last evaluated: 2024-05-12. Review status: criteria provided, single submitter. Criteria: Invitae Variant Classification Sherloc (09022015). Collection method: clinical testing. Allele origin: germline.
Comment: This sequence change replaces serine, which is neutral and polar, with leucine, which is neutral and non-polar, at codon 264 of the FECH protein (p.Ser264Leu). This variant is not present in population databases (gnomAD no frequency). This missense change has been observed in individual(s) with erythropoietic protoporphyria (PMID: 17196862, 33021473; Invitae). In at least one individual the data is consistent with being in trans (on the opposite chromosome) from a pathogenic variant. Advanced modeling of protein sequence and biophysical properties (such as structural, functional, and spatial information, amino acid conservation, physicochemical variation, residue mobility, and thermodynamic stability) performed at Invitae indicates that this missense variant is expected to disrupt FECH protein function with a positive predictive value of 80%. In summary, the currently available evidence indicates that the variant is pathogenic, but additional data are needed to prove that conclusively. Therefore, this variant has been classified as Likely Pathogenic.

Literature cited by the submitters: PubMed 17196862; PubMed 33021473.

NM_000140.5(FECH):c.791C>T (p.Ser264Leu)

Gene: FECH (ferrochelatase; minus strand). Cytogenetic location: 18q21.31.
Variant type: single nucleotide variant.
Coding change: c.791C>T on transcript NM_000140.5 (MANE Select); coding-DNA position 791, C replaced by T.
Protein change: p.Ser264Leu; replaces serine 264 with leucine.
Molecular consequence: missense variant. On other transcripts: intron variant (1).
Genome position (GRCh38, 1-based): chr18:57,559,158, G>A on the plus strand (C>T on the coding strand, the complement: FECH is on the minus strand). VCF-style: chr18-57559158-G-A. GRCh37 (hg19) VCF-style: chr18-55226390-G-A.
Other names: c.809C>T, p.Ser270Leu (NM_001012515.4); c.575C>T, p.Ser192Leu (NM_001371095.1); c.791C>T, p.Ser264Leu (NM_001374778.1); c.705+3716C>T (NM_001371094.1); short protein forms S192L, S264L, S270L.
Identifiers: ClinVar variation 3723157 (VCV003723157.2).